The following is an entry in ClinVar:

ClinVar aggregate classification (germline): Uncertain significance (1 of 4 stars; one submission).

Allele frequency attached by ClinVar (database versions not stated): gnomAD 0.00001 and 0.00003; TOPMed 0.00002; gnomAD exomes 0.00004; ExAC 0.00005; 1000 Genomes Project 30x 0.00016; 1000 Genomes Project 0.00020.
gnomAD v4.1: 59 of 1,614,252 alleles (0.0037%); highest among the groups gnomAD compares: East Asian, 0.13%; no homozygotes.

Submission:

Labcorp Genetics (formerly Invitae), Labcorp
Classification: Uncertain significance. Last evaluated: 2024-06-03. Review status: criteria provided, single submitter. Criteria: Invitae Variant Classification Sherloc (09022015). Collection method: clinical testing. Allele origin: germline.
Comment: This sequence change replaces aspartic acid, which is acidic and polar, with glycine, which is neutral and non-polar, at codon 1103 of the CTR9 protein (p.Asp1103Gly). This variant is present in population databases (rs201305345, gnomAD 0.06%). This variant has not been reported in the literature in individuals affected with CTR9-related conditions. ClinVar contains an entry for this variant (Variation ID: 972346). An algorithm developed to predict the effect of missense changes on protein structure and function (PolyPhen-2) suggests that this variant is likely to be disruptive. In summary, the available evidence is currently insufficient to determine the role of this variant in disease. Therefore, it has been classified as a Variant of Uncertain Significance.

NM_014633.5(CTR9):c.3308A>G (p.Asp1103Gly)

Gene: CTR9 (CTR9 component of Paf1/RNA polymerase II complex; plus strand). Cytogenetic location: 11p15.4.
Variant type: single nucleotide variant.
Coding change: c.3308A>G on transcript NM_014633.5 (MANE Select); coding-DNA position 3308, A replaced by G.
Protein change: p.Asp1103Gly; replaces aspartic acid 1103 with glycine.
Molecular consequence: missense variant.
Genome position (GRCh38, 1-based): chr11:10,778,891, A>G. VCF-style: chr11-10778891-A-G. GRCh37 (hg19) VCF-style: chr11-10800438-A-G.
Other names: c.3236A>G, p.Asp1079Gly (NM_001346279.2); short protein forms D1079G, D1103G.
Identifiers: ClinVar variation 972346 (VCV000972346.10), dbSNP rs201305345, ClinGen allele CA5885560.